The following is an entry in ClinVar:

NM_020919.4(ALS2):c.2491_2499del (p.Glu831_Leu833del)

Gene: ALS2 (alsin Rho guanine nucleotide exchange factor ALS2; minus strand). Cytogenetic location: 2q33.1.
Variant type: Deletion.
Coding change: c.2491_2499del on transcript NM_020919.4 (MANE Select); coding-DNA positions 2491 to 2499, 9 bases deleted (GAAATACTG; older notation c.2491_2499delGAAATACTG).
Protein change: p.Glu831_Leu833del.
Molecular consequence: inframe deletion.
Genome position (GRCh38, 1-based): chr2:201,733,357-201,733,365, CAGTATTTC deleted on the plus strand (GAAATACTG on the coding strand, the reverse complement: ALS2 is on the minus strand); deleting any 9 consecutive bases within chr2:201,733,357-201,733,367 gives the same sequence; the c. name uses the placement nearest the transcript's 3' end. VCF-style (leftmost placement, unchanged base first): chr2-201733356-TCAGTATTTC-T. GRCh37 (hg19) VCF-style: chr2-202598079-TCAGTATTTC-T.
Other names: c.2491_2499del9 (NM_020919.3).
Identifiers: ClinVar variation 446821 (VCV000446821.14), dbSNP rs773628251, ClinGen allele CA2058168.

ClinVar aggregate classification (germline): Conflicting classifications of pathogenicity. Review status: criteria provided, conflicting classifications (1 of 4 stars). 4 submissions from 4 submitters: Uncertain significance (1); Benign (1); Likely benign (1). 1 of the submissions does not count toward it. Last evaluated 2025-07-14.

Conditions:
ALS2-related disorder. Also called: ALS2-related condition; ALS2-related disorders; ALS2-Related Spectrum Disorders. Identifiers: MedGen CN169291.
Infantile-onset ascending hereditary spastic paralysis (IAHSP). Also called: Autosomal Recessive Juvenile Amyotrophic Lateral Sclerosis; Infantile-Onset Ascending Hereditary Spastic Paralysis (IAHSP). Identifiers: Orphanet 293168, MedGen C2931441, MONDO:0011797, OMIM 607225. Disease mechanism: loss of function.

Submissions (4):

Labcorp Genetics (formerly Invitae), Labcorp
Classification: Benign for Infantile-onset ascending hereditary spastic paralysis. Last evaluated: 2025-07-14. Review status: criteria provided, single submitter. Criteria: Invitae Variant Classification Sherloc (09022015). Collection method: clinical testing. Allele origin: germline.

Blueprint Genetics
Classification: Likely benign. Last evaluated: 2024-09-03. Review status: criteria provided, single submitter. Criteria: ACMG Guidelines, 2015. Collection method: clinical testing. Allele origin: germline.

Athena Diagnostics
Classification: Uncertain significance. Last evaluated: 2016-12-28. Review status: criteria provided, single submitter. Criteria: Athena Diagnostics Criteria. Collection method: clinical testing. Allele origin: germline.

PreventionGenetics, part of Exact Sciences
Classification: Likely benign for ALS2-related condition. Last evaluated: 2020-03-18. Review status: no assertion criteria provided. Collection method: clinical testing. Allele origin: germline. Not counted in ClinVar's aggregate classification.
Comment: This variant is classified as likely benign based on ACMG/AMP sequence variant interpretation guidelines (Richards et al. 2015 PMID: 25741868, with internal and published modifications).